The following is an entry in ClinVar:

NM_006044.4(HDAC6):c.923C>T (p.Pro308Leu)

Gene: HDAC6 (histone deacetylase 6; plus strand). Cytogenetic location: Xp11.23.
Variant type: single nucleotide variant.
Coding change: c.923C>T on transcript NM_006044.4 (MANE Select); coding-DNA position 923, C replaced by T.
Protein change: p.Pro308Leu; replaces proline 308 with leucine.
Molecular consequence: missense variant. On other transcripts: non-coding transcript variant (2).
Genome position (GRCh38, 1-based): chrX:48,814,556, C>T. VCF-style: chrX-48814556-C-T. GRCh37 (hg19) VCF-style: chrX-48672963-C-T.
Other names: c.965C>T, p.Pro322Leu (NM_001321225.2); c.923C>T, p.Pro308Leu (NM_001321226.2, NM_001321227.2, NM_001321228.2 and 1 more transcripts); short protein forms P308L, P322L.
Identifiers: ClinVar variation 4885548 (VCV004885548.2).

ClinVar aggregate classification (germline): Uncertain significance (1 of 4 stars; one submission).

Submission:

Dasa
Classification: Uncertain significance. Last evaluated: 2025-07-24. Review status: criteria provided, single submitter. Criteria: DASA Assertion Criteria. Collection method: clinical testing. Allele origin: germline.
Comment: NM_006044.4(HDAC6):c.923C>T (p.Pro308Leu) is a missense variant that results in the substitution of proline with leucine. This variant is rare in population databases. Computational prediction algorithms are consistent with a deleterious effect. The currently available literature and clinical evidence are not sufficient to establish a definitive association between this variant and the reported condition. Therefore, this variant is classified as a variant of uncertain significance.